The following is an entry in ClinVar:

NM_000059.4(BRCA2):c.9569A>C (p.Lys3190Thr)

Gene: BRCA2 (BRCA2 DNA repair associated; plus strand). Cytogenetic location: 13q13.1.
Variant type: single nucleotide variant.
Coding change: c.9569A>C on transcript NM_000059.4 (MANE Select); coding-DNA position 9569, A replaced by C.
Protein change: p.Lys3190Thr; replaces lysine 3190 with threonine.
Molecular consequence: missense variant.
Genome position (GRCh38, 1-based): chr13:32,396,965, A>C. VCF-style: chr13-32396965-A-C. GRCh37 (hg19) VCF-style: chr13-32971102-A-C.
Other names: short protein forms K3190T.
Identifiers: ClinVar variation 1355231 (VCV001355231.8), dbSNP rs2137659202, ClinGen allele CA387763329.

ClinVar aggregate classification (germline): Uncertain significance (1 of 4 stars; one submission).

Conditions:
Hereditary breast ovarian cancer syndrome. Also called: BRCA1- and BRCA2-Associated Hereditary Breast and Ovarian Cancer; Hereditary breast and ovarian cancer; Hereditary breast and ovarian cancer syndrome; Hereditary breast and ovarian cancer syndrome (HBOC); Breast and ovarian cancer; Hereditary breast and/or ovarian cancer syndrome. Identifiers: Orphanet 145, MedGen C0677776, MeSH D061325, MONDO:0003582. Disease mechanism: loss of function.

Submission:

Labcorp Genetics (formerly Invitae), Labcorp
Classification: Uncertain significance for Hereditary breast ovarian cancer syndrome. Last evaluated: 2021-05-19. Review status: criteria provided, single submitter. Criteria: Invitae Variant Classification Sherloc (09022015). Collection method: clinical testing. Allele origin: germline.
Comment: This sequence change replaces lysine with threonine at codon 3190 of the BRCA2 protein (p.Lys3190Thr). The lysine residue is moderately conserved and there is a moderate physicochemical difference between lysine and threonine. This variant is not present in population databases (ExAC no frequency). This variant has not been reported in the literature in individuals with BRCA2-related conditions. Advanced modeling of protein sequence and biophysical properties (such as structural, functional, and spatial information, amino acid conservation, physicochemical variation, residue mobility, and thermodynamic stability) performed at Invitae indicates that this missense variant is not expected to disrupt BRCA2 protein function. In summary, the available evidence is currently insufficient to determine the role of this variant in disease. Therefore, it has been classified as a Variant of Uncertain Significance.